The following is an entry in ClinVar:

NM_000301.5(PLG):c.112A>G (p.Lys38Glu)

Gene: PLG (plasminogen; plus strand). Cytogenetic location: 6q26.
Variant type: single nucleotide variant.
Coding change: c.112A>G on transcript NM_000301.5 (MANE Select); coding-DNA position 112, A replaced by G.
Protein change: p.Lys38Glu; replaces lysine 38 with glutamic acid.
Molecular consequence: missense variant.
Genome position (GRCh38, 1-based): chr6:160,706,469, A>G. VCF-style: chr6-160706469-A-G. GRCh37 (hg19) VCF-style: chr6-161127501-A-G.
Other names: K19E; c.112A>G, p.Lys38Glu (NM_001168338.1); short protein forms K38E.
Identifiers: ClinVar variation 13583 (VCV000013583.51), dbSNP rs73015965, ClinGen allele CA123283.

ClinVar aggregate classification (germline): Pathogenic/Likely pathogenic. Review status: criteria provided, multiple submitters, no conflicts (2 of 4 stars). 27 submissions from 25 submitters: Pathogenic (15); Likely pathogenic (6). 6 of the submissions do not count toward it. Last evaluated 2026-06-24.

Conditions:
Angioedema, hereditary, 4. Identifiers: MedGen C5543503, MONDO:0025712, OMIM 619360.
Plasminogen deficiency, type I. Also called: Type 1 plasminogen deficiency; Hypoplasminogenemia. Identifiers: Orphanet 722, MedGen C1968804, MONDO:0009009, OMIM 217090.
Thrombophilia with a likely monogenic cause.
Primary immunodeficiency or monogenic inflammatory bowel disease.
PLG-related disorder. Also called: PLG-related condition.
Otitis media, susceptibility to (OMS). Also called: OTITIS MEDIA, CHRONIC/RECURRENT; COME/ROM. Identifiers: MedGen C1833692, MONDO:0008162, OMIM 166760.
Deep venous thrombosis. Also called: Deep vein thrombosis. Identifiers: MedGen C0149871, MeSH D020246, HP:0002625.

Allele frequency attached by ClinVar (database versions not stated): 1000 Genomes Project 0.00220; gnomAD exomes 0.00295 and 0.00530; ExAC 0.00329; 1000 Genomes Project 30x 0.00219; TOPMed 0.00348; gnomAD 0.00279 and 0.00282.
gnomAD v4.1: 8,032 of 1,613,830 alleles (0.5%); highest among the groups gnomAD compares: Non-Finnish European, 0.64%; 36 homozygotes.

Submissions 1 to 14 of 27:

Women's Health and Genetics/Laboratory Corporation of America, LabCorp
Classification: Pathogenic for Plasminogen deficiency, type I. Last evaluated: 2026-06-24. Review status: criteria provided, single submitter. Criteria: LabCorp Variant Classification Summary - May 2015. Collection method: clinical testing. Allele origin: germline.
Comment: Variant summary: PLG c.112A>G (p.Lys38Glu) results in a conservative amino acid change located in the PAN/Apple domain (IPR003609) of the encoded protein sequence. Algorithms developed to predict the effect of missense changes on protein structure and function are either unavailable or do not agree on the potential impact of this missense change. The variant allele was found at a frequency of 0.003 in 251130 control chromosomes in the gnomAD database, including 4 homozygotes. The observed variant frequency exceeds the estimated maximal expected allele frequency for disease-causing variants in PLG. c.112A>G has been reported as a biallelic genotype in many individuals affected with Plasminogen Deficiency/Ligneous Conjuctivitis, including cases where it has been found in trans with loss of function variants and it has been found to segregate with disease in multiple unrelated families (e.g. Schuster_1999, Tefs_2006). These data indicate that the variant is very likely to be associated with disease. At least one publication reports experimental evidence evaluating an impact on protein function and found that the secretion kinetics of the variant were normal, however, this study did not directly assess PLG activity (Tefs_2006). The following publications have been ascertained in the context of this evaluation (PMID: 10233898, 16849641). ClinVar contains an entry for this variant (Variation ID: 13583). Based on the evidence outlined above, the variant was classified as pathogenic.

CeGaT Center for Human Genetics Tuebingen
Classification: Likely pathogenic. Last evaluated: 2026-04-01. Review status: criteria provided, single submitter. Criteria: CeGaT Center For Human Genetics Tuebingen Variant Classification Criteria Version 2. Collection method: clinical testing. Allele origin: germline. Affected: yes. Observed: 1 variant allele.
Comment: PLG: PM3:Strong, PM2:Supporting, PP1

Labcorp Genetics (formerly Invitae), Labcorp
Classification: Pathogenic. Last evaluated: 2026-01-27. Review status: criteria provided, single submitter. Criteria: Invitae Variant Classification Sherloc (09022015). Collection method: clinical testing. Allele origin: germline.
Comment: This sequence change replaces lysine, which is basic and polar, with glutamic acid, which is acidic and polar, at codon 38 of the PLG protein (p.Lys38Glu). This variant is present in population databases (rs73015965, gnomAD 0.5%), and has an allele count higher than expected for a pathogenic variant. This missense change has been observed in individual(s) with autosomal recessive plasminogen deficiency and ligneous conjunctivitis (PMID: 10233898, 15269832, 16849641, 23629776, 26340456, 27976734). It has also been observed to segregate with disease in related individuals. ClinVar contains an entry for this variant (Variation ID: 13583). Invitae Evidence Modeling of protein sequence and biophysical properties (such as structural, functional, and spatial information, amino acid conservation, physicochemical variation, residue mobility, and thermodynamic stability) indicates that this missense variant is not expected to disrupt PLG protein function with a negative predictive value of 95%. For these reasons, this variant has been classified as Pathogenic.

Genomic Medicine Center of Excellence, King Faisal Specialist Hospital and Research Centre
Classification: Pathogenic for Angioedema, hereditary, 4. Last evaluated: 2025-09-10. Review status: criteria provided, single submitter. Criteria: ACMG Guidelines, 2015. Collection method: clinical testing. Allele origin: germline.

First Genomix Gene Laboratory, Genetic Diagnostics Department
Classification: Pathogenic for Plasminogen deficiency, type I. Last evaluated: 2025-06-20. Review status: criteria provided, single submitter. Criteria: ACMG Guidelines, 2015. Collection method: clinical testing. Allele origin: germline. Inheritance: Autosomal recessive inheritance. Affected: no. Observed: 1 variant allele.

Victorian Clinical Genetics Services, Murdoch Childrens Research Institute
Classification: Pathogenic for Plasminogen deficiency, type I. Last evaluated: 2025-03-12. Review status: criteria provided, single submitter. Criteria: ACMG Guidelines, 2015. Collection method: clinical testing. Allele origin: germline.
Comment: This variant is classified as Pathogenic. Evidence in support of pathogenic classification: Variant is present in gnomAD <0.01 (v4: 7960 heterozygote(s), 36 homozygote(s)); This variant has strong previous evidence of pathogenicity in unrelated individuals. This variant has been classified as pathogenic/likely pathogenic by diagnostic laboratories in ClinVar; This variant has strong functional evidence supporting abnormal protein function. Coagulation studies revealed reduced plasminogen functional activity in individuals with type I plasminogen deficiency (PMID: 10233898). Additional information: Variant is predicted to result in a missense amino acid change from lysine to glutamic acid; This variant is heterozygous; This gene is associated with both recessive and dominant disease; Alternative amino acid change(s) at the same position are present in gnomAD (Highest allele count: v4: 1 heterozygote(s), 0 homozygote(s)); Loss of function and gain of function are known mechanisms of disease in this gene and are associated with disease. Monoallelic gain of function variants in PLG are associated with hereditary angioedema 4 (MIM#619360), whilst biallelic loss of function variants are associated with dysplasminogenemia (MIM#217090) and type I plasminogen deficiency (MIM#217090); The condition associated with this gene has incomplete penetrance. Incomplete penetrance has been described for the dominant phenotype (PMID: 33114181); Inheritance information for this variant is not currently available in this individual.

Variantyx, Inc.
Classification: Pathogenic for Plasminogen deficiency, type I. Last evaluated: 2025-03-06. Review status: criteria provided, single submitter. Criteria: Variantyx Assertion Criteria 2022. Collection method: clinical testing. Allele origin: germline. Inheritance: Autosomal recessive inheritance. Affected: yes.
Comment: This is a nonsynonymous variant in the PLG gene (OMIM: 173350). Pathogenic variants in this gene have been associated with autosomal recessive type I plasminogen deficiency. This variant has been identified in the homozygous or compound heterozygous state in one or more of the following: the current proband, in several individual(s) from the published literature (PMID: 16849641, 12850227, 10233898), or previous internal cases (PM3_Strong). Functional studies have shown that this variant alters PLG protein function (PMID: 16849641, 10233898) (PS3). This variant has a 0.6408% maximum allele frequency in control populations (gnomAD) (BS1). Computational algorithms produce conflicting evidence regarding the predicted functional impact of this variant (REVEL score: 0.642). Based on the current evidence, this variant is classified as pathogenic for autosomal recessive type I plasminogen deficiency.

Center for Genomic Medicine, Rigshospitalet, Copenhagen University Hospital
Classification: Likely pathogenic. Last evaluated: 2025-03-04. Review status: criteria provided, single submitter. Criteria: ACMG Guidelines, 2015. Collection method: clinical testing. Allele origin: germline.

Revvity Omics, Revvity
Classification: Pathogenic. Last evaluated: 2024-12-15. Review status: criteria provided, single submitter. Criteria: ACMG Guidelines, 2015. Collection method: clinical testing. Allele origin: germline.

Blueprint Genetics
Classification: Likely pathogenic for PLG-related disorders. Last evaluated: 2024-11-24. Review status: criteria provided, single submitter. Criteria: ACMG Guidelines, 2015. Collection method: clinical testing. Allele origin: germline. Affected: yes. Observed: 5 variant alleles.

Mayo Clinic Laboratories, Mayo Clinic
Classification: Likely pathogenic. Last evaluated: 2024-10-10. Review status: criteria provided, single submitter. Criteria: ACMG Guidelines, 2015. Collection method: clinical testing. Allele origin: germline. Observed: 16 variant alleles.
Comment: PP1, PM1_supporting, PM3, PS4_moderate

North West Genomic Laboratory Hub, Manchester University NHS Foundation Trust
Classification: Pathogenic for Primary immunodeficiency or monogenic inflammatory bowel disease; Thrombophilia with a likely monogenic cause. Last evaluated: 2024-09-23. Review status: criteria provided, single submitter. Criteria: ACGS Best Practice Guidelines for Variant Classification in Rare Disease 2020. Collection method: clinical testing. Allele origin: germline. Affected: yes.
Comment: PM3_VStr PP4_Mod

Fulgent Genetics
Classification: Pathogenic for Plasminogen deficiency, type I; Angioedema, hereditary, 4. Last evaluated: 2024-03-25. Review status: criteria provided, single submitter. Criteria: ACMG Guidelines, 2015. Collection method: clinical testing. Allele origin: germline.

Mendelics
Classification: Pathogenic for Plasminogen deficiency, type I. Last evaluated: 2022-05-04. Review status: criteria provided, single submitter. Criteria: Mendelics Assertion Criteria 2019. Collection method: clinical testing. Allele origin: germline.